The following is an entry in ClinVar:

NM_000550.3(TYRP1):c.1082-8G>A

Genes: TYRP1 (tyrosinase related protein 1; plus strand), LURAP1L-AS1 (LURAP1L antisense RNA 1; minus strand). Cytogenetic location: 9p23.
Variant type: single nucleotide variant.
Coding change: c.1082-8G>A on transcript NM_000550.3 (MANE Select); 8 bases into the intron before coding-DNA position 1082, G replaced by A.
Molecular consequence: intron variant.
Genome position (GRCh38, 1-based): chr9:12,704,518, G>A. VCF-style: chr9-12704518-G-A. GRCh37 (hg19) VCF-style: chr9-12704518-G-A.
Identifiers: ClinVar variation 364857 (VCV000364857.19), dbSNP rs79992094, ClinGen allele CA4985436.

ClinVar aggregate classification (germline): Benign/Likely benign. Review status: criteria provided, multiple submitters, no conflicts (2 of 4 stars). 4 submissions from 4 submitters: Benign (2); Likely benign (2). Last evaluated 2026-01-31.

Conditions:
Oculocutaneous albinism type 3 (OCA3). Also called: ALBINISM III; RUFOUS OCULOCUTANEOUS ALBINISM; XANTHISM; Albinism, oculocutaneous, type III; Rufous OCA; Rufous albinism. Identifiers: Orphanet 79433, MedGen C0342683, MONDO:0008747, OMIM 203290.

Allele frequency attached by ClinVar (database versions not stated): gnomAD exomes 0.00052 and 0.00147; ExAC 0.00200; gnomAD 0.00611 and 0.00650; 1000 Genomes Project 30x 0.00625; TOPMed 0.00642; 1000 Genomes Project 0.00659; ESP Exome Variant Server 0.00669.
gnomAD v4.1: 1,754 of 1,610,594 alleles (0.11%); highest among the groups gnomAD compares: African/African-American, 2%; 13 homozygotes.

Submissions (4):

Labcorp Genetics (formerly Invitae), Labcorp
Classification: Benign. Last evaluated: 2026-01-31. Review status: criteria provided, single submitter. Criteria: Invitae Variant Classification Sherloc (09022015). Collection method: clinical testing. Allele origin: germline.

Genetic Services Laboratory, University of Chicago
Classification: Benign. Last evaluated: 2018-06-08. Review status: criteria provided, single submitter. Criteria: ACMG Guidelines, 2015. Collection method: clinical testing. Allele origin: germline. Affected: no.

Illumina Laboratory Services, Illumina
Classification: Likely benign for Oculocutaneous albinism type 3. Last evaluated: 2018-01-12. Review status: criteria provided, single submitter. Criteria: ICSL Variant Classification Criteria 13 December 2019. Collection method: clinical testing. Allele origin: germline.
Comment: This variant was observed in the ICSL laboratory as part of a predisposition screen in an ostensibly healthy population. It had not been previously curated by ICSL or reported in the Human Gene Mutation Database (HGMD: prior to June 1st, 2018), and was therefore a candidate for classification through an automated scoring system. Utilizing variant allele frequency, disease prevalence and penetrance estimates, and inheritance mode, an automated score was calculated to assess if this variant is too frequent to cause the disease. Based on the score and internal cut-off values, a variant classified as likely benign is not then subjected to further curation. The score for this variant resulted in a classification of likely benign for this disease.

Breakthrough Genomics
Classification: Likely benign. Review status: criteria provided, single submitter. Criteria: ACMG Guidelines, 2015. Collection method: not provided. Allele origin: germline. Inheritance: Autosomal recessive inheritance. Affected: yes.